The following is an entry in ClinVar:

NM_001278716.2(FBXL4):c.1687C>T (p.Gln563Ter)

Gene: FBXL4 (F-box and leucine rich repeat protein 4; minus strand). Cytogenetic location: 6q16.1.
Variant type: single nucleotide variant.
Coding change: c.1687C>T on transcript NM_001278716.2 (MANE Select); coding-DNA position 1687, C replaced by T.
Protein change: p.Gln563Ter; replaces glutamine 563 with a stop codon.
Molecular consequence: nonsense. On other transcripts: non-coding transcript variant (1).
Genome position (GRCh38, 1-based): chr6:98,875,430, G>A on the plus strand (C>T on the coding strand, the complement: FBXL4 is on the minus strand). VCF-style: chr6-98875430-G-A. GRCh37 (hg19) VCF-style: chr6-99323306-G-A.
Other names: c.1687C>T, p.Gln563Ter (NM_012160.5); short protein forms Q563*.
Identifiers: ClinVar variation 437494 (VCV000437494.1), dbSNP rs1554215964, ClinGen allele CA16020676.

ClinVar aggregate classification (germline): Pathogenic (1 of 4 stars; one submission).

Conditions:
Mitochondrial DNA depletion syndrome 13. Also called: FBXL4-Related Encephalomyopathic Mitochondrial DNA Depletion Syndrome; Mitochondrial DNA depletion syndrome 13 (encephalomyopathic type). Identifiers: Orphanet 369897, MedGen C3809592, MONDO:0014198, OMIM 615471.

Submission:

Wong Mito Lab, Molecular and Human Genetics, Baylor College of Medicine
Classification: Pathogenic for Mitochondrial DNA depletion syndrome 13. Last evaluated: 2017-08-10. Review status: criteria provided, single submitter. Criteria: ACMG Guidelines, 2015. Collection method: clinical testing. Allele origin: germline. Affected: yes.
Comment: The NM_012160.4:c.1687C>T (NP_036292.2:p.Gln563Ter) [GRCH38: NC_000006.12:g.98875430G>A] variant in FBXL4 gene is interpretated to be a Pathogenic based on ACMG guidelines (PMID: 25741868). This variant has been reported in PMID:27743463 . This variant meets one or more of the following evidence codes reported in the ACMG-guideline. PVS1:This variant is a predcted null variant in FBXL4 where loss of function is a known mechanism of disease. PM2:This variant is absent in key population databases. PM3:Detected in trans with a pathogenic variant for Mitochondrial DNA depletion syndrome 13 which is a recessive disorder. PP4:Patientâ€™s phenotype or family history is highly specific for FBXL4. PP5:Reputable source(s) suggest that the variant is pathogenic. Based on this evidence code ClinGen Pathogenicity Calculator (PMID:28081714) suggested that the variant is Pathogenic.

Literature cited by the submitters: PubMed 27743463.